The following is an entry in ClinVar:

NM_025103.4(IFT74):c.1265A>G (p.Gln422Arg)

Gene: IFT74 (intraflagellar transport 74; plus strand). Cytogenetic location: 9p21.2.
Variant type: single nucleotide variant.
Coding change: c.1265A>G on transcript NM_025103.4 (MANE Select); coding-DNA position 1265, A replaced by G.
Protein change: p.Gln422Arg; replaces glutamine 422 with arginine.
Molecular consequence: missense variant.
Genome position (GRCh38, 1-based): chr9:27,048,206, A>G. VCF-style: chr9-27048206-A-G. GRCh37 (hg19) VCF-style: chr9-27048204-A-G.
Other names: c.1265A>G, p.Gln422Arg (NM_001099222.3, NM_001099223.3, NM_001349928.2); short protein forms Q422R.
Identifiers: ClinVar variation 4730681 (VCV004730681.1).

ClinVar aggregate classification (germline): Uncertain significance (1 of 4 stars; one submission).

Submission:

Labcorp Genetics (formerly Invitae), Labcorp
Classification: Uncertain significance. Last evaluated: 2025-11-06. Review status: criteria provided, single submitter. Criteria: Invitae Variant Classification Sherloc (09022015). Collection method: clinical testing. Allele origin: germline.
Comment: This sequence change replaces glutamine, which is neutral and polar, with arginine, which is basic and polar, at codon 422 of the IFT74 protein (p.Gln422Arg). This variant is not present in population databases (gnomAD no frequency). This variant has not been reported in the literature in individuals affected with IFT74-related conditions. An algorithm developed to predict the effect of missense changes on protein structure and function (PolyPhen-2) suggests that this variant is likely to be tolerated. In summary, the available evidence is currently insufficient to determine the role of this variant in disease. Therefore, it has been classified as a Variant of Uncertain Significance.